The following is an entry in ClinVar:

ClinVar aggregate classification (germline): Uncertain significance. Review status: criteria provided, multiple submitters, no conflicts (2 of 4 stars). 4 submissions from 4 submitters: Uncertain significance (4). Last evaluated 2025-10-25.

Conditions:
Thrombomodulin-related bleeding disorder (THPH12). Also called: Thrombophilia due to thrombomodulin defect. Identifiers: Orphanet 436169, MedGen C3280976, MONDO:0013775, OMIM 614486.

Allele frequency attached by ClinVar (database versions not stated): gnomAD 0.00001; TOPMed 0.00002; gnomAD exomes 0.00005; ExAC 0.00010.

Submissions (4):

Labcorp Genetics (formerly Invitae), Labcorp
Classification: Uncertain significance. Last evaluated: 2025-10-25. Review status: criteria provided, single submitter. Criteria: Invitae Variant Classification Sherloc (09022015). Collection method: clinical testing. Allele origin: germline.
Comment: This sequence change replaces threonine, which is neutral and polar, with isoleucine, which is neutral and non-polar, at codon 44 of the THBD protein (p.Thr44Ile). This variant is present in population databases (rs769881785, gnomAD 0.02%). This missense change has been observed in individual(s) with Streptococcus pneumoniae-associated hemolytic uremic syndrome (PMID: 23787556). ClinVar contains an entry for this variant (Variation ID: 449570). Invitae Evidence Modeling of protein sequence and biophysical properties (such as structural, functional, and spatial information, amino acid conservation, physicochemical variation, residue mobility, and thermodynamic stability) indicates that this missense variant is not expected to disrupt THBD protein function with a negative predictive value of 80%. In summary, the available evidence is currently insufficient to determine the role of this variant in disease. Therefore, it has been classified as a Variant of Uncertain Significance.

Genomenon, Inc
Classification: Uncertain significance for Thrombomodulin-related bleeding disorder. Last evaluated: 2025-09-22. Review status: criteria provided, single submitter. Criteria: Genomenon Sequence Variant Interpretation Standards - Updated. Collection method: curation. Allele origin: germline. Affected: no.
Comment: THBD p.Thr44Ile (c.131C>T) is a missense variant that changes the amino acid at residue 44 from Threonine to Isoleucine. This variant has been reported in the published literature (PMID:38317858;23787556;33102952). It is absent or not present at a significant frequency in gnomAD. In conclusion, we classify THBD p.Thr44Ile (c.131C>T) as a variant of unknown significance.

Blueprint Genetics
Classification: Uncertain significance. Last evaluated: 2021-09-19. Review status: criteria provided, single submitter. Criteria: ACMG Guidelines, 2015. Collection method: clinical testing. Allele origin: germline.

GeneDx
Classification: Uncertain significance. Last evaluated: 2017-07-20. Review status: criteria provided, single submitter. Criteria: GeneDx Variant Classification (06012015). Collection method: clinical testing. Allele origin: germline. Affected: yes.
Comment: The T44I variant in the THBD gene was identified in a patient with pneumonia-related hemolytic uremic syndrome (HUS) who also had a HUS risk haplotype identified in another gene (Szilagyi et al., 2013). The T44I variant is observed in 2/4420 (0.045%) alleles from individuals of Latino background in the ExAC dataset (Lek et al., 2016). The T44I variant is a non-conservative amino acid substitution, which is likely to impact secondary protein structure as these residues differ in polarity, charge, size and/or other properties. This substitution occurs at a position that is not conserved. In silico analysis is inconsistent in its predictions as to whether or not the variant is damaging to the protein structure/function. We interpret T44I as a variant of uncertain significance.

Literature cited by the submitters: PubMed 23787556 (cited by Labcorp Genetics (formerly Invitae), Labcorp and Genomenon, Inc); PubMed 38317858 (cited by Genomenon, Inc); PubMed 33102952 (cited by Genomenon, Inc).

NM_000361.3(THBD):c.131C>T (p.Thr44Ile)

Gene: THBD (thrombomodulin; minus strand). Cytogenetic location: 20p11.21.
Variant type: single nucleotide variant.
Coding change: c.131C>T on transcript NM_000361.3 (MANE Select); coding-DNA position 131, C replaced by T.
Protein change: p.Thr44Ile; replaces threonine 44 with isoleucine.
Molecular consequence: missense variant.
Genome position (GRCh38, 1-based): chr20:23,049,374, G>A on the plus strand (C>T on the coding strand, the complement: THBD is on the minus strand). VCF-style: chr20-23049374-G-A. GRCh37 (hg19) VCF-style: chr20-23030011-G-A.
Other names: short protein forms T44I.
Identifiers: ClinVar variation 449570 (VCV000449570.11), dbSNP rs769881785, ClinGen allele CA9787788.